The following is an entry in ClinVar:

NM_198904.4(GABRG2):c.18A>G (p.Ile6Met)

Gene: GABRG2 (gamma-aminobutyric acid type A receptor subunit gamma2; plus strand). Cytogenetic location: 5q34.
Variant type: single nucleotide variant.
Coding change: c.18A>G on transcript NM_198904.4 (MANE Select); coding-DNA position 18, A replaced by G.
Protein change: p.Ile6Met; replaces isoleucine 6 with methionine.
Molecular consequence: missense variant. On other transcripts: 5 prime UTR variant (3), intron variant (3).
Genome position (GRCh38, 1-based): chr5:162,068,017, A>G. VCF-style: chr5-162068017-A-G. GRCh37 (hg19) VCF-style: chr5-161495023-A-G.
Other names: c.18A>G, p.Ile6Met (NM_000816.3, NM_001375339.1, NM_001375340.1 and 5 more transcripts); c.-341A>G (NM_001375348.1, NM_001375350.1); c.-389A>G (NM_001375349.1); c.-3-46A>G (NM_001375346.1, NM_001375345.1); c.20+376A>G (NM_001375347.1); short protein forms I6M.
Identifiers: ClinVar variation 3388870 (VCV003388870.14).
Genomic context (GRCh38, chr5:162,068,017, plus strand): 5'-CAACCAAGAGGCAAGAGGCGAGAGAAGGAAAAAAAAAAAAGCGATGAGTTCGCCAAATAT[A>G]TGGAGCACAGGAAGCTCAGTCTACTCGACTCCTGTATTTTCACAGAAAATGACGGTGTGG-3'
Protein context (NP_944494.1, residues 1-16): MSSPN[Ile6Met]WSTGSSVYST

ClinVar aggregate classification (germline): Uncertain significance (1 of 4 stars; one submission).

Submission:

CeGaT Center for Human Genetics Tuebingen
Classification: Uncertain significance. Last evaluated: 2024-10-01. Review status: criteria provided, single submitter. Criteria: CeGaT Center For Human Genetics Tuebingen Variant Classification Criteria Version 2. Collection method: clinical testing. Allele origin: germline. Affected: yes. Observed: 1 variant allele.
Comment: GABRG2: PM2, BP4